The following is an entry in ClinVar:

NM_001077418.3(TMEM231):c.272G>C (p.Arg91Pro)

Gene: TMEM231 (transmembrane protein 231; minus strand). Cytogenetic location: 16q23.1.
Variant type: single nucleotide variant.
Coding change: c.272G>C on transcript NM_001077418.3 (MANE Select); coding-DNA position 272, G replaced by C.
Protein change: p.Arg91Pro; replaces arginine 91 with proline.
Molecular consequence: missense variant. On other transcripts: non-coding transcript variant (1).
Genome position (GRCh38, 1-based): chr16:75,555,841, C>G on the plus strand (G>C on the coding strand, the complement: TMEM231 is on the minus strand). VCF-style: chr16-75555841-C-G. GRCh37 (hg19) VCF-style: chr16-75589739-C-G.
Other names: c.431G>C, p.Arg144Pro (NM_001077416.2); short protein forms R91P, R144P.
Identifiers: ClinVar variation 1960255 (VCV001960255.5), dbSNP rs1020049031, ClinGen allele CA396808936.

ClinVar aggregate classification (germline): Uncertain significance (1 of 4 stars; one submission).

Conditions:
Meckel syndrome, type 11 (MKS11). Identifiers: Orphanet 564, MedGen C3809352, MONDO:0014164, OMIM 615397.
Joubert syndrome 20 (JBTS20). Identifiers: Orphanet 475, MedGen C3554235, MONDO:0013994, OMIM 614970.

Submission:

Labcorp Genetics (formerly Invitae), Labcorp
Classification: Uncertain significance for Joubert syndrome 20; Meckel syndrome, type 11. Last evaluated: 2022-05-25. Review status: criteria provided, single submitter. Criteria: Invitae Variant Classification Sherloc (09022015). Collection method: clinical testing. Allele origin: germline.
Comment: This variant has not been reported in the literature in individuals affected with TMEM231-related conditions. In summary, the available evidence is currently insufficient to determine the role of this variant in disease. Therefore, it has been classified as a Variant of Uncertain Significance. Algorithms developed to predict the effect of missense changes on protein structure and function are either unavailable or do not agree on the potential impact of this missense change (SIFT: "Deleterious"; PolyPhen-2: "Not Available"; Align-GVGD: "Class C0"). This variant is not present in population databases (gnomAD no frequency). This sequence change replaces arginine, which is basic and polar, with proline, which is neutral and non-polar, at codon 144 of the TMEM231 protein (p.Arg144Pro).